The following is an entry in ClinVar:

NM_012431.3(SEMA3E):c.2046T>A (p.Phe682Leu)

Gene: SEMA3E (semaphorin 3E; minus strand). Cytogenetic location: 7q21.11.
Variant type: single nucleotide variant.
Coding change: c.2046T>A on transcript NM_012431.3 (MANE Select); coding-DNA position 2046, T replaced by A.
Protein change: p.Phe682Leu; replaces phenylalanine 682 with leucine.
Molecular consequence: missense variant.
Genome position (GRCh38, 1-based): chr7:83,367,868, A>T on the plus strand (T>A on the coding strand, the complement: SEMA3E is on the minus strand). VCF-style: chr7-83367868-A-T. GRCh37 (hg19) VCF-style: chr7-82997184-A-T.
Other names: c.1866T>A, p.Phe622Leu (NM_001178129.2); short protein forms F622L, F682L.
Identifiers: ClinVar variation 4983622 (VCV004983622.1).

ClinVar aggregate classification (germline): Uncertain significance (1 of 4 stars; one submission).

Conditions:
SEMA3E-related disorder. Also called: SEMA3E-related condition.

Submission:

PreventionGenetics, part of Exact Sciences
Classification: Uncertain significance for SEMA3E-related condition. Last evaluated: 2025-10-15. Review status: criteria provided, single submitter. Criteria: ACMG Guidelines, 2015. Collection method: clinical testing. Allele origin: germline.
Comment: The SEMA3E c.2046T>A variant is predicted to result in the amino acid substitution p.Phe682Leu. To our knowledge, this variant has not been reported in the literature or in a large population database (gnomAD), indicating this variant is rare. At this time, the clinical significance of this variant is uncertain due to the absence of conclusive functional and genetic evidence.